The following is an entry in ClinVar:

NM_001367624.2(ZNF469):c.1927G>A (p.Glu643Lys)

Gene: ZNF469 (zinc finger protein 469; plus strand). Cytogenetic location: 16q24.2.
Variant type: single nucleotide variant.
Coding change: c.1927G>A on transcript NM_001367624.2 (MANE Select); coding-DNA position 1927, G replaced by A.
Protein change: p.Glu643Lys; replaces glutamic acid 643 with lysine.
Molecular consequence: missense variant.
Genome position (GRCh38, 1-based): chr16:88,429,397, G>A. VCF-style: chr16-88429397-G-A. GRCh37 (hg19) VCF-style: chr16-88495805-G-A.
Other names: NM_001127464.1:c.1927G>A; p.Glu643Lys; short protein forms E643K.
Identifiers: ClinVar variation 1782789 (VCV001782789.3), dbSNP rs1367682769, ClinGen allele CA397069200.

ClinVar aggregate classification (germline): Uncertain significance. Review status: criteria provided, multiple submitters, no conflicts (2 of 4 stars). 2 submissions from 2 submitters: Uncertain significance (2). Last evaluated 2025-03-26.

Conditions:
Cardiovascular phenotype. Identifiers: MedGen CN230736.

Allele frequency attached by ClinVar (database versions not stated): gnomAD 0.00001; gnomAD exomes below 0.00001; TOPMed 0.00001.
gnomAD v4.1: 3 of 1,548,772 alleles (0.00019%); highest among the groups gnomAD compares: African/African-American, 0.0014%; no homozygotes.

Submissions (2):

Mayo Clinic Laboratories, Mayo Clinic
Classification: Uncertain significance. Last evaluated: 2025-03-26. Review status: criteria provided, single submitter. Criteria: ACMG Guidelines, 2015. Collection method: clinical testing. Allele origin: germline. Observed: 1 variant allele.
Comment: BP4_moderate, PM2_supporting

Ambry Genetics
Classification: Uncertain significance for Cardiovascular phenotype. Last evaluated: 2022-10-09. Review status: criteria provided, single submitter. Criteria: Ambry Variant Classification Scheme 2023. Collection method: clinical testing. Allele origin: germline.
Comment: The p.E643K variant (also known as c.1927G>A), located in coding exon 1 of the ZNF469 gene, results from a G to A substitution at nucleotide position 1927. The glutamic acid at codon 643 is replaced by lysine, an amino acid with similar properties. This amino acid position is conserved. In addition, this alteration is predicted to be tolerated by in silico analysis. Since supporting evidence is limited at this time, the clinical significance of this alteration remains unclear.